The following is an entry in ClinVar:

ClinVar aggregate classification (germline): Benign/Likely benign. Review status: criteria provided, multiple submitters, no conflicts (2 of 4 stars). 4 submissions from 4 submitters: Benign (1); Likely benign (2). 1 of the submissions does not count toward it. Last evaluated 2026-01-27.

Conditions:
COL2A1-related disorder. Also called: COL2A1-related condition; COL2A1-related disorders.

Submissions (4):

Labcorp Genetics (formerly Invitae), Labcorp
Classification: Benign. Last evaluated: 2026-01-27. Review status: criteria provided, single submitter. Criteria: Invitae Variant Classification Sherloc (09022015). Collection method: clinical testing. Allele origin: germline.

Blueprint Genetics
Classification: Likely benign. Last evaluated: 2024-10-16. Review status: criteria provided, single submitter. Criteria: ACMG Guidelines, 2015. Collection method: clinical testing. Allele origin: germline.

GeneDx
Classification: Likely benign. Last evaluated: 2020-11-12. Review status: criteria provided, single submitter. Criteria: GeneDx Variant Classification Process June 2021. Collection method: clinical testing. Allele origin: germline. Affected: yes.

PreventionGenetics, part of Exact Sciences
Classification: Likely benign for COL2A1-related condition. Last evaluated: 2024-06-30. Review status: no assertion criteria provided. Collection method: clinical testing. Allele origin: germline. Not counted in ClinVar's aggregate classification.
Comment: This variant is classified as likely benign based on ACMG/AMP sequence variant interpretation guidelines (Richards et al. 2015 PMID: 25741868, with internal and published modifications).

NM_001844.5(COL2A1):c.3490-15CT[4]

Gene: COL2A1 (collagen type II alpha 1 chain; minus strand). Cytogenetic location: 12q13.11.
Variant type: Microsatellite.
Coding change: c.3490-15CT[4] on transcript NM_001844.5 (MANE Select); four copies in a row of the 2-base unit CT starting at c.3490-15; the reference has five copies in a row; one copy, 2 bases deleted.
Molecular consequence: intron variant.
Genome position (GRCh38, 1-based): chr12:47,976,076-47,976,077, AG deleted on the plus strand (CT on the coding strand, the reverse complement: COL2A1 is on the minus strand); deleting any 2 consecutive bases within chr12:47,976,076-47,976,085 gives the same sequence; the position shown is the placement nearest the transcript's 3' end. VCF-style (leftmost placement, unchanged base first): chr12-47976075-AAG-A. GRCh37 (hg19) VCF-style: chr12-48369858-AAG-A.
Other names: c.3490-7_3490-6del (NM_001844.4); c.3283-15CT[4] (NM_033150.3).
Identifiers: ClinVar variation 729726 (VCV000729726.14), dbSNP rs780110289, ClinGen allele CA6534722.
Genomic context (GRCh38, chr12:47,976,075, plus strand): 5'-CCAGGGATTCCATTAGCACCATCTTTGCCAGAGGGACCGACGGGGCCAGGAGGACCCTGC[AAG>A]AGAGAGAGGTCGTGAGGAAAGAGTGGTCACCACAGGGAAGGCTGGGGAGTCGCTGGGGCT-3'